The following is an entry in ClinVar:

ClinVar aggregate classification (germline): Likely pathogenic. Review status: criteria provided, single submitter (1 of 4 stars). 2 submissions from 2 submitters: Likely pathogenic (1). 1 of the submissions does not count toward it. Last evaluated 2021-10-24.

Conditions:
Marfan syndrome (MFS). Also called: MARFAN SYNDROME, TYPE I; Marfan syndrome type 1; Marfan's syndrome; Marfan syndrome, classic; FBN1-Related Marfan Syndrome. Identifiers: Orphanet 284963, Orphanet 558, MedGen C0024796, MONDO:0007947, OMIM 154700.
Familial thoracic aortic aneurysm and aortic dissection (TAAD). Also called: Thoracic aortic aneurysms and dissections. Identifiers: Orphanet 91387, MedGen C4707243, MONDO:0019625.

Submissions (2):

Labcorp Genetics (formerly Invitae), Labcorp
Classification: Likely pathogenic for Marfan syndrome; Familial thoracic aortic aneurysm and aortic dissection. Last evaluated: 2021-10-24. Review status: criteria provided, single submitter. Criteria: Invitae Variant Classification Sherloc (09022015). Collection method: clinical testing. Allele origin: germline.
Comment: In summary, the currently available evidence indicates that the variant is pathogenic, but additional data are needed to prove that conclusively. Therefore, this variant has been classified as Likely Pathogenic. Advanced modeling of protein sequence and biophysical properties (such as structural, functional, and spatial information, amino acid conservation, physicochemical variation, residue mobility, and thermodynamic stability) performed at Invitae indicates that this missense variant is expected to disrupt FBN1 protein function. This missense change has been observed in individuals with Marfan syndrome (PMID: 25652356; Invitae). This variant is not present in population databases (gnomAD no frequency). This sequence change replaces leucine, which is neutral and non-polar, with proline, which is neutral and non-polar, at codon 2671 of the FBN1 protein (p.Leu2671Pro).

Department of Laboratory Medicine and Genetics, Samsung Medical Center
Classification: Likely pathogenic for Marfan syndrome. Last evaluated: 2025-01-02. Review status: no assertion criteria provided. Collection method: clinical testing. Allele origin: germline. Affected: yes. Not counted in ClinVar's aggregate classification.
Comment: The NM_000138.5:c.8012T>C is considered to be rare in the general population database (gnomAD v2.1.1). This variant is predicted to be deleterious by in-silico analysis (REVEL). According to the ClinGen guidance for PP1/BS4 and PP4 criteria (PMID: 38103548), PP4 with weighted strength was applied. In summary, this variant was classified as a likely pathogenic variant for Marfan syndrome (PP2, PP3, PP4 with weighted strength, PM2_P).

Literature cited by the submitters: PubMed 25652356 (cited by Labcorp Genetics (formerly Invitae), Labcorp and Department of Laboratory Medicine and Genetics, Samsung Medical Center); PubMed 37558401 (cited by Department of Laboratory Medicine and Genetics, Samsung Medical Center).

NM_000138.5(FBN1):c.8012T>C (p.Leu2671Pro)

Gene: FBN1 (fibrillin 1; minus strand). Cytogenetic location: 15q21.1.
Variant type: single nucleotide variant.
Coding change: c.8012T>C on transcript NM_000138.5 (MANE Select); coding-DNA position 8012, T replaced by C.
Protein change: p.Leu2671Pro; replaces leucine 2671 with proline.
Molecular consequence: missense variant.
Genome position (GRCh38, 1-based): chr15:48,415,575, A>G on the plus strand (T>C on the coding strand, the complement: FBN1 is on the minus strand). VCF-style: chr15-48415575-A-G. GRCh37 (hg19) VCF-style: chr15-48707772-A-G.
Other names: short protein forms L2671P.
Identifiers: ClinVar variation 1464885 (VCV001464885.7), dbSNP rs2141214610, ClinGen allele CA392322657.